The following is an entry in ClinVar:

ClinVar aggregate classification (germline): Uncertain significance (1 of 4 stars; one submission).

Conditions:
Hereditary cancer-predisposing syndrome. Also called: Neoplastic Syndromes, Hereditary; Tumor predisposition; Hereditary Cancer Syndrome; Hereditary neoplastic syndrome. Identifiers: Orphanet 140162, MedGen C0027672, MeSH D009386, MONDO:0015356.

Submission:

Ambry Genetics
Classification: Uncertain significance for Hereditary cancer-predisposing syndrome. Last evaluated: 2022-10-09. Review status: criteria provided, single submitter. Criteria: Ambry Variant Classification Scheme 2023. Collection method: clinical testing. Allele origin: germline.
Comment: The p.G114S variant (also known as c.340G>A), located in coding exon 4 of the MRE11A gene, results from a G to A substitution at nucleotide position 340. The glycine at codon 114 is replaced by serine, an amino acid with similar properties. This amino acid position is conserved. In addition, this alteration is predicted to be tolerated by in silico analysis. Since supporting evidence is limited at this time, the clinical significance of this alteration remains unclear.

NM_005591.4(MRE11):c.340G>A (p.Gly114Ser)

Gene: MRE11 (MRE11 double strand break repair nuclease; minus strand). Cytogenetic location: 11q21.
Variant type: single nucleotide variant.
Coding change: c.340G>A on transcript NM_005591.4 (MANE Select); coding-DNA position 340, G replaced by A.
Protein change: p.Gly114Ser; replaces glycine 114 with serine.
Molecular consequence: missense variant.
Genome position (GRCh38, 1-based): chr11:94,479,736, C>T on the plus strand (G>A on the coding strand, the complement: MRE11 is on the minus strand). VCF-style: chr11-94479736-C-T. GRCh37 (hg19) VCF-style: chr11-94212902-C-T.
Other names: c.340G>A, p.Gly114Ser (NM_001330347.2, NM_005590.4); short protein forms G114S.
Identifiers: ClinVar variation 1799960 (VCV001799960.2), dbSNP rs2135091525, ClinGen allele CA382378568.
Genomic context (GRCh38, chr11:94,479,736, plus strand): 5'-CTGTGGGATCGTCATGATTGCCATGAATACTAAACACTGGAATTGAAATGTTGAGGTTGC[C>T]ATCTTGATAGTTCACCCATGGAAACCTTAAAAAAAAAAAGTTACTTAAAATTTCCATACG-3'
Protein context (NP_005582.1, residues 104-124): SKFPWVNYQD[Gly114Ser]NLNISIPVFS